The following is an entry in ClinVar:

ClinVar aggregate classification (germline): Uncertain significance (1 of 4 stars; one submission).

Submission:

Women's Health and Genetics/Laboratory Corporation of America, LabCorp
Classification: Uncertain significance. Last evaluated: 2026-01-27. Review status: criteria provided, single submitter. Criteria: LabCorp Variant Classification Summary - May 2015. Collection method: clinical testing. Allele origin: germline.
Comment: Variant summary: PHKB c.2895G>C (p.Gln965His) results in a non-conservative amino acid change in the encoded protein sequence. Algorithms developed to predict the effect of missense changes on protein structure and function are either unavailable or do not agree on the potential impact of this missense change. Several computational tools predict a significant impact on normal splicing: Three predict the variant abolishes a 5' splicing donor site and one predicts the variant weakens a 5' donor site. However, these predictions have yet to be confirmed by functional studies. The variant was absent in 250656 control chromosomes. The available data on variant occurrences in the general population are insufficient to allow any conclusion about variant significance. To our knowledge, no occurrence of c.2895G>C in individuals affected with PHKB-related conditions and no experimental evidence demonstrating its impact on protein function have been reported. No submitters have cited clinical-significance assessments for this variant to ClinVar. Based on the evidence outlined above, the variant was classified as uncertain significance.

NM_000293.3(PHKB):c.2895G>C (p.Gln965His)

Gene: PHKB (phosphorylase kinase regulatory subunit beta; plus strand). Cytogenetic location: 16q12.1.
Variant type: single nucleotide variant.
Coding change: c.2895G>C on transcript NM_000293.3 (MANE Select); coding-DNA position 2895, G replaced by C.
Protein change: p.Gln965His; replaces glutamine 965 with histidine.
Molecular consequence: missense variant.
Genome position (GRCh38, 1-based): chr16:47,693,507, G>C. VCF-style: chr16-47693507-G-C. GRCh37 (hg19) VCF-style: chr16-47727418-G-C.
Other names: c.2874G>C, p.Gln958His (NM_001031835.3); c.2895G>C, p.Gln965His (NM_001363837.1); short protein forms Q958H, Q965H.
Identifiers: ClinVar variation 4689516 (VCV004689516.1).